The following is an entry in ClinVar:

NM_016955.4(SEPSECS):c.181A>G (p.Met61Val)

Gene: SEPSECS (Sep (O-phosphoserine) tRNA:Sec (selenocysteine) tRNA synthase; minus strand). Cytogenetic location: 4p15.2.
Variant type: single nucleotide variant.
Coding change: c.181A>G on transcript NM_016955.4 (MANE Select); coding-DNA position 181, A replaced by G.
Protein change: p.Met61Val; replaces methionine 61 with valine.
Molecular consequence: missense variant.
Genome position (GRCh38, 1-based): chr4:25,159,041, T>C on the plus strand (A>G on the coding strand, the complement: SEPSECS is on the minus strand). VCF-style: chr4-25159041-T-C. GRCh37 (hg19) VCF-style: chr4-25160663-T-C.
Other names: short protein forms M61V.
Identifiers: ClinVar variation 810638 (VCV000810638.2), dbSNP rs910702708, ClinGen allele CA356543426.
Genomic context (GRCh38, chr4:25,159,041, plus strand): 5'-ATGCCACTCTCCCTTCCCTTTCTCCCACACCACAATTGCCTAAGAAATTGTTGCTGTCCA[T>C]GATTGCAAGTTCATGTAAAAAGAGTTCAAGTGTACTTTCATCCCAGCCATTCTCTGGACA-3'
Protein context (NP_058651.3, residues 51-71): LELFLHELAI[Met61Val]DSNNFLGNCG

ClinVar aggregate classification (germline): Uncertain significance. Review status: criteria provided, single submitter (1 of 4 stars). 2 submissions from 2 submitters: Uncertain significance (1). 1 of the submissions does not count toward it. Last evaluated 2024-12-03.

Conditions:
Pontocerebellar hypoplasia type 2D (PCH2D). Also called: Progressive cerebello-cerebral atrophy. Identifiers: Orphanet 247198, Orphanet 2524, MedGen C3151140, MONDO:0013438, OMIM 613811.

Allele frequency attached by ClinVar (database versions not stated): gnomAD exomes below 0.00001.
gnomAD v4.1: 9 of 1,613,518 alleles (0.00056%); highest among the groups gnomAD compares: South Asian, 0.0011%; no homozygotes.

Submissions (2):

Women's Health and Genetics/Laboratory Corporation of America, LabCorp
Classification: Uncertain significance. Last evaluated: 2024-12-03. Review status: criteria provided, single submitter. Criteria: LabCorp Variant Classification Summary - May 2015. Collection method: clinical testing. Allele origin: germline.
Comment: Variant summary: SEPSECS c.181A>G (p.Met61Val) results in a conservative amino acid change located in the Type I PLP-dependent aspartate aminotransferase-like (Major domain) (IPR015421) of the encoded protein sequence. Three of five in-silico tools predict a damaging effect of the variant on protein function. The variant allele was found at a frequency of 4e-06 in 249266 control chromosomes. c.181A>G has been reported in the literature in two homozygous siblings affected with Pontocerebellar Hypoplasia and in an unaffected family member without reported genotype (e.g. Hengel_2020). These data indicate that the variant may be associated with disease. To our knowledge, no experimental evidence demonstrating an impact on protein function has been reported. The following publications has been ascertained in the context of this evaluation (PMID: 32214227). ClinVar contains an entry for this variant (Variation ID: 810638). Based on the evidence outlined above, the variant was classified as VUS-possibly pathogenic.

Section for Clinical Neurogenetics, University of Tübingen
Classification: Uncertain significance for Pontocerebellar hypoplasia type 2D. Last evaluated: 2019-08-01. Review status: no assertion criteria provided. Collection method: research. Allele origin: germline. Affected: yes. Not counted in ClinVar's aggregate classification.

Literature cited by the submitters: PubMed 26633542 (cited by Women's Health and Genetics/Laboratory Corporation of America, LabCorp); PubMed 32214227 (cited by Women's Health and Genetics/Laboratory Corporation of America, LabCorp and Section for Clinical Neurogenetics, University of Tübingen).